The following is an entry in ClinVar:

NM_001127258.3(HHIPL1):c.1212C>T (p.Gly404=)

Gene: HHIPL1 (HHIP like 1; plus strand). Cytogenetic location: 14q32.2.
Variant type: single nucleotide variant.
Coding change: c.1212C>T on transcript NM_001127258.3 (MANE Select); coding-DNA position 1212, C replaced by T.
Protein change: p.Gly404=; no amino-acid change (glycine 404 retained).
Molecular consequence: synonymous variant.
Genome position (GRCh38, 1-based): chr14:99,659,593, C>T. VCF-style: chr14-99659593-C-T. GRCh37 (hg19) VCF-style: chr14-100125930-C-T.
Other names: c.1017C>T, p.Gly339= (NM_001329411.2); c.1212C>T, p.Gly404= (NM_032425.5).
Identifiers: ClinVar variation 2644512 (VCV002644512.24), dbSNP rs774230122, ClinGen allele CA266682359.

ClinVar aggregate classification (germline): Likely benign (1 of 4 stars; one submission).

Allele frequency attached by ClinVar (database versions not stated): gnomAD exomes below 0.00001; TOPMed below 0.00001.

Submission:

CeGaT Center for Human Genetics Tuebingen
Classification: Likely benign. Last evaluated: 2022-04-01. Review status: criteria provided, single submitter. Criteria: CeGaT Center For Human Genetics Tuebingen Variant Classification Criteria Version 2. Collection method: clinical testing. Allele origin: germline. Affected: yes. Observed: 1 variant allele.
Comment: HHIPL1: PM2:Supporting, BP4, BP7